The following is an entry in ClinVar:

ClinVar aggregate classification (germline): Uncertain significance (1 of 4 stars; one submission).

Conditions:
POMC-related disorder. Also called: POMC-related disorders; POMC-related condition.

gnomAD v4.1: 1 of 1,576,134 alleles (0.000063%); highest among the groups gnomAD compares: Non-Finnish European, 0.000086%; no homozygotes.

Submission:

PreventionGenetics, part of Exact Sciences
Classification: Uncertain significance for POMC-related condition. Last evaluated: 2025-11-16. Review status: criteria provided, single submitter. Criteria: ACMG Guidelines, 2015. Collection method: clinical testing. Allele origin: germline.
Comment: The POMC c.337T>A variant is predicted to result in the amino acid substitution p.Cys113Ser. This variant was observed in a cohort of individuals with obesity, and in vitro functional studies showed this variant did not reduce protein function and could cause increased function (Supplemental Data Set 3, Shah et al. 2023. PubMed ID: 36864747). This variant is reported in 0.0014% of alleles in individuals of European (Non-Finnish) descent in gnomAD. At this time, the clinical significance of this variant is uncertain due to the absence of conclusive functional and genetic evidence.

NM_000939.4(POMC):c.337T>A (p.Cys113Ser)

Gene: POMC (proopiomelanocortin; minus strand). Cytogenetic location: 2p23.3.
Variant type: single nucleotide variant.
Coding change: c.337T>A on transcript NM_000939.4 (MANE Select); coding-DNA position 337, T replaced by A.
Protein change: p.Cys113Ser; replaces cysteine 113 with serine.
Molecular consequence: missense variant.
Genome position (GRCh38, 1-based): chr2:25,161,548, A>T on the plus strand (T>A on the coding strand, the complement: POMC is on the minus strand). VCF-style: chr2-25161548-A-T. GRCh37 (hg19) VCF-style: chr2-25384417-A-T.
Other names: c.337T>A, p.Cys113Ser (NM_001035256.3, NM_001319204.2, NM_001319205.2); short protein forms C113S.
Identifiers: ClinVar variation 4996504 (VCV004996504.1).